The following is an entry in ClinVar:

NM_014875.3(KIF14):c.3274A>G (p.Met1092Val)

Gene: KIF14 (kinesin family member 14; minus strand). Cytogenetic location: 1q32.1.
Variant type: single nucleotide variant.
Coding change: c.3274A>G on transcript NM_014875.3 (MANE Select); coding-DNA position 3274, A replaced by G.
Protein change: p.Met1092Val; replaces methionine 1092 with valine.
Molecular consequence: missense variant.
Genome position (GRCh38, 1-based): chr1:200,581,262, T>C on the plus strand (A>G on the coding strand, the complement: KIF14 is on the minus strand). VCF-style: chr1-200581262-T-C. GRCh37 (hg19) VCF-style: chr1-200550390-T-C.
Other names: c.1801A>G, p.Met601Val (NM_001305792.1); short protein forms M1092V, M601V.
Identifiers: ClinVar variation 739968 (VCV000739968.34), dbSNP rs142824342, ClinGen allele CA1317308.
Genomic context (GRCh38, chr1:200,581,262, plus strand): 5'-TGCCAAAAACATAGTATGTTTTCAATTTGCTGCTGATAGCATTGGCTTCCTGAATCATCA[T>C]TGAGAGTTTCATAGAGCTCCAAGTTGTCTGCACTAATACAAAGCACACAGAAAAGATTCA-3'
Protein context (NP_055690.1, residues 1082-1102): QTTWSSMKLS[Met1092Val]MIQEANAISS

ClinVar aggregate classification (germline): Likely benign. Review status: criteria provided, multiple submitters, no conflicts (2 of 4 stars). 4 submissions from 4 submitters: Likely benign (3). 1 of the submissions does not count toward it. Last evaluated 2026-01-11.

Allele frequency attached by ClinVar (database versions not stated): gnomAD exomes 0.00037; ExAC 0.00053; TOPMed 0.00142; ESP Exome Variant Server 0.00177; 1000 Genomes Project 30x 0.00203; 1000 Genomes Project 0.00220.

Submissions (4):

Labcorp Genetics (formerly Invitae), Labcorp
Classification: Likely benign. Last evaluated: 2026-01-11. Review status: criteria provided, single submitter. Criteria: Invitae Variant Classification Sherloc (09022015). Collection method: clinical testing. Allele origin: germline.

Women's Health and Genetics/Laboratory Corporation of America, LabCorp
Classification: Likely benign. Last evaluated: 2024-04-25. Review status: criteria provided, single submitter. Criteria: LabCorp Variant Classification Summary - May 2015. Collection method: clinical testing. Allele origin: germline.
Comment: Variant summary: KIF14 c.3274A>G (p.Met1092Val) results in a conservative amino acid change in the encoded protein sequence. Five of five in-silico tools predict a benign effect of the variant on protein function. The variant allele was found at a frequency of 0.00027 in 1605606 control chromosomes, predominantly at a frequency of 0.0046 within the African or African-American subpopulation in the gnomAD database (v4.0.0), including 3 homozygotes. The observed variant frequency within African or African-American strongly suggests that the variant is a benign polymorphism found primarily in populations of African or African-American origin. To our knowledge, no occurrence of c.3274A>G in individuals affected with Microcephaly 20, Primary, Autosomal Recessive and no experimental evidence demonstrating its impact on protein function have been reported. ClinVar contains an entry for this variant (Variation ID: 739968). Based on the evidence outlined above, the variant was classified as likely benign.

CeGaT Center for Human Genetics Tuebingen
Classification: Likely benign. Last evaluated: 2023-09-01. Review status: criteria provided, single submitter. Criteria: CeGaT Center For Human Genetics Tuebingen Variant Classification Criteria Version 2. Collection method: clinical testing. Allele origin: germline. Affected: yes. Observed: 1 variant allele.
Comment: KIF14: BP4, BS1

Genetic Services Laboratory, University of Chicago
Classification: Likely benign. Last evaluated: 2022-09-13. Review status: no assertion criteria provided. Collection method: clinical testing. Allele origin: germline. Affected: no. Not counted in ClinVar's aggregate classification.